The following is an entry in ClinVar:

ClinVar aggregate classification (germline): Uncertain significance (1 of 4 stars; one submission).

gnomAD v4.1: 1 of 1,614,136 alleles (0.000062%); highest among the groups gnomAD compares: East Asian, 0.0022%; no homozygotes.

Submission:

Labcorp Genetics (formerly Invitae), Labcorp
Classification: Uncertain significance. Last evaluated: 2022-08-19. Review status: criteria provided, single submitter. Criteria: Invitae Variant Classification Sherloc (09022015). Collection method: clinical testing. Allele origin: germline.
Comment: This variant has not been reported in the literature in individuals affected with NBAS-related conditions. ClinVar contains an entry for this variant (Variation ID: 1368671). Algorithms developed to predict the effect of missense changes on protein structure and function output the following: SIFT: "Deleterious"; PolyPhen-2: "Benign"; Align-GVGD: "Class C15". The asparagine amino acid residue is found in multiple mammalian species, which suggests that this missense change does not adversely affect protein function. In summary, the available evidence is currently insufficient to determine the role of this variant in disease. Therefore, it has been classified as a Variant of Uncertain Significance. This variant is not present in population databases (gnomAD no frequency). This sequence change replaces aspartic acid, which is acidic and polar, with asparagine, which is neutral and polar, at codon 2003 of the NBAS protein (p.Asp2003Asn).

NM_015909.4(NBAS):c.6007G>A (p.Asp2003Asn)

Gene: NBAS (NBAS subunit of NRZ tethering complex; minus strand). Cytogenetic location: 2p24.3.
Variant type: single nucleotide variant.
Coding change: c.6007G>A on transcript NM_015909.4 (MANE Select); coding-DNA position 6007, G replaced by A.
Protein change: p.Asp2003Asn; replaces aspartic acid 2003 with asparagine.
Molecular consequence: missense variant. On other transcripts: non-coding transcript variant (1).
Genome position (GRCh38, 1-based): chr2:15,234,684, C>T on the plus strand (G>A on the coding strand, the complement: NBAS is on the minus strand). VCF-style: chr2-15234684-C-T. GRCh37 (hg19) VCF-style: chr2-15374808-C-T.
Other names: short protein forms D2003N.
Identifiers: ClinVar variation 1368671 (VCV001368671.8), dbSNP rs2147934190, ClinGen allele CA345888981.